The following is an entry in ClinVar:

NM_015978.3(TNNI3K):c.2017G>T (p.Ala673Ser)

Genes: FPGT-TNNI3K (FPGT-TNNI3K readthrough; plus strand), TNNI3K (TNNI3 interacting kinase; plus strand). Cytogenetic location: 1p31.1.
Variant type: single nucleotide variant.
Coding change: c.2017G>T on transcript NM_015978.3 (MANE Select); coding-DNA position 2017, G replaced by T.
Protein change: p.Ala673Ser; replaces alanine 673 with serine.
Molecular consequence: missense variant.
Genome position (GRCh38, 1-based): chr1:74,463,446, G>T. VCF-style: chr1-74463446-G-T. GRCh37 (hg19) VCF-style: chr1-74929130-G-T.
Other names: c.2320G>T, p.Ala774Ser (NM_001112808.3, NM_001199327.2); short protein forms A774S, A673S.
Identifiers: ClinVar variation 4725230 (VCV004725230.1).
Genomic context (GRCh38, chr1:74,463,446, plus strand): 5'-GTTGCTTGAAATAAACATGTGAATTTCAAAACTGACATGACCATTTGGTTTGCAGCGGCT[G>T]CGGCAGCAGACATGGCTTACCACCACATCAGACCTCCCATTGGCTATTCCATTCCCAAGC-3'
Protein context (NP_057062.1, residues 663-683): IPFAHLKPAA[Ala673Ser]AADMAYHHIR

ClinVar aggregate classification (germline): Uncertain significance (1 of 4 stars; one submission).

Submission:

Labcorp Genetics (formerly Invitae), Labcorp
Classification: Uncertain significance. Last evaluated: 2025-08-11. Review status: criteria provided, single submitter. Criteria: Invitae Variant Classification Sherloc (09022015). Collection method: clinical testing. Allele origin: germline.
Comment: This sequence change replaces alanine, which is neutral and non-polar, with serine, which is neutral and polar, at codon 673 of the TNNI3K protein (p.Ala673Ser). This variant is not present in population databases (gnomAD no frequency). This variant has not been reported in the literature in individuals affected with TNNI3K-related conditions. An algorithm developed to predict the effect of missense changes on protein structure and function (PolyPhen-2) suggests that this variant is likely to be disruptive. In summary, the available evidence is currently insufficient to determine the role of this variant in disease. Therefore, it has been classified as a Variant of Uncertain Significance.